The following is an entry in ClinVar:

ClinVar aggregate classification (germline): Pathogenic (1 of 4 stars; one submission).

Submission:

Labcorp Genetics (formerly Invitae), Labcorp
Classification: Pathogenic. Last evaluated: 2021-09-05. Review status: criteria provided, single submitter. Criteria: Invitae Variant Classification Sherloc (09022015). Collection method: clinical testing. Allele origin: germline.
Comment: This sequence change creates a premature translational stop signal (p.Glu211Asnfs*25) in the SEPSECS gene. It is expected to result in an absent or disrupted protein product. Loss-of-function variants in SEPSECS are known to be pathogenic (PMID: 25558065, 25590979, 26115735). This variant is not present in population databases (ExAC no frequency). This variant has not been reported in the literature in individuals affected with SEPSECS-related conditions. For these reasons, this variant has been classified as Pathogenic.

Literature cited by the submitters: PubMed 25558065; PubMed 25590979; PubMed 26115735.

NM_016955.4(SEPSECS):c.631del (p.Glu211fs)

Gene: SEPSECS (Sep (O-phosphoserine) tRNA:Sec (selenocysteine) tRNA synthase; minus strand). Cytogenetic location: 4p15.2.
Variant type: Deletion.
Coding change: c.631del on transcript NM_016955.4 (MANE Select); coding-DNA position 631, one base deleted (G; older notation c.631delG).
Protein change: p.Glu211fs; shifts the reading frame from glutamic acid 211.
Molecular consequence: frameshift variant.
Genome position (GRCh38, 1-based): chr4:25,155,068, C deleted on the plus strand (G on the coding strand, the reverse complement: SEPSECS is on the minus strand); the first of 2 consecutive C bases (chr4:25,155,068-25,155,069); deleting either gives the same sequence. VCF-style (leftmost placement, unchanged base first): chr4-25155067-TC-T. GRCh37 (hg19) VCF-style: chr4-25156689-TC-T.
Other names: short protein forms E211fs.
Identifiers: ClinVar variation 1453646 (VCV001453646.6), dbSNP rs2109032716, ClinGen allele CA2573137662.